The following continues an entry in ClinVar:

NM_007294.4(BRCA1):c.2411_2412del (p.Gln804fs)

Gene: BRCA1. ClinVar aggregate classification (germline): Pathogenic. Pathogenic (1).

Submissions 29 to 30 of 30:

Breast Cancer Information Core (BIC) (BRCA1)
Classification: Pathogenic for Breast-ovarian cancer, familial 1. Last evaluated: 2002-05-29. Review status: no assertion criteria provided. Collection method: clinical testing. Allele origin: germline. Affected: yes. Observed: 15 variant alleles. Not counted in ClinVar's aggregate classification.

Department of Pathology and Laboratory Medicine, Sinai Health System
Classification: Pathogenic for Endometrial carcinoma. Review status: no assertion criteria provided. Collection method: clinical testing. Allele origin: unknown. Affected: yes. Observed: 1 variant allele. Study: The Canadian Open Genetics Repository (COGR). Not counted in ClinVar's aggregate classification.
Comment: The BRCA1 p.Gln804Leufs*5 variant was identified in 7 of 24906 proband chromosomes (frequency: 0.0003) from individuals or families with breast or ovarian cancer (Couch 2015, Machackova 2008, Pal 2005, Pohlreich 2005, Susswein 2015). The variant was also identified in dbSNP (ID: rs80357664) as "With Pathogenic allele", ClinVar (classified as pathogenic by Invitae, Ambry Genetics, GeneDx and eleven other submitters), COGR , LOVD 3.0 (15x pathogenic), UMD-LSDB (4x as causal), BIC Database (14x as clinically important), and in ARUP Laboratories ( definitely pathogenic), databases. The variant was not identified in Cosmic, or Zhejiang University, databases. The variant was not identified in the following control databases: the Exome Aggregation Consortium (August 8th 2016), or the Genome Aggregation Database (Feb 27, 2017). The p.Gln804Leufs*5 variant is predicted to cause a frameshift, which alters the protein's amino acid sequence beginning at codon 804 and leads to a premature stop codon at position 808. This alteration is then predicted to result in a truncated or absent protein and loss of function. Loss of function variants of the BRCA1 gene are an established mechanism of disease in breast or ovarian cancer and is the type of variant expected to cause the disorder. In summary, based on the above information this variant meets our laboratoryâ€šÃ„Ã´s criteria to be classified as pathogenic.

Literature cited by the submitters: PubMed 20104584 (cited by Labcorp Genetics (formerly Invitae), Labcorp and Variantyx, Inc.); PubMed 10667595 (cited by Labcorp Genetics (formerly Invitae), Labcorp and Variantyx, Inc.); PubMed 16168118 (cited by 6 submitters); PubMed 18489799 (cited by 5 submitters); PubMed 25777348 (cited by 4 submitters); PubMed 26681312 (cited by 6 submitters); PubMed 29446198 (cited by 3 submitters); PubMed 11802209 (cited by All of Us Research Program, National Institutes of Health and Color Diagnostics, LLC DBA Color Health); PubMed 12566964 (cited by 4 submitters); PubMed 16284991 (cited by 4 submitters); PubMed 16685647 (cited by 4 submitters); PubMed 19147582 (cited by 3 submitters); PubMed 19340607 (cited by 3 submitters); PubMed 25452441 (cited by 5 submitters); PubMed 28324225 (cited by 4 submitters); PubMed 30257646 (cited by 4 submitters); PubMed 30702160 (cited by 4 submitters); PubMed 10667592 (cited by Quest Diagnostics Nichols Institute San Juan Capistrano); PubMed 32885271 (cited by Quest Diagnostics Nichols Institute San Juan Capistrano); PubMed 35409996 (cited by Quest Diagnostics Nichols Institute San Juan Capistrano); PubMed 32295079 (cited by CZECANCA consortium).